The following is an entry in ClinVar:

ClinVar aggregate classification (germline): Uncertain significance (1 of 4 stars; one submission).

Submission:

Labcorp Genetics (formerly Invitae), Labcorp
Classification: Uncertain significance. Last evaluated: 2022-08-30. Review status: criteria provided, single submitter. Criteria: Invitae Variant Classification Sherloc (09022015). Collection method: clinical testing. Allele origin: germline.
Comment: This sequence change replaces histidine, which is basic and polar, with tyrosine, which is neutral and polar, at codon 272 of the TNFRSF11A protein (p.His272Tyr). This variant is not present in population databases (gnomAD no frequency). This variant has not been reported in the literature in individuals affected with TNFRSF11A-related conditions. Algorithms developed to predict the effect of missense changes on protein structure and function are either unavailable or do not agree on the potential impact of this missense change (SIFT: "Deleterious"; PolyPhen-2: "Possibly Damaging"; Align-GVGD: "Class C0"). In summary, the available evidence is currently insufficient to determine the role of this variant in disease. Therefore, it has been classified as a Variant of Uncertain Significance.

NM_003839.4(TNFRSF11A):c.814C>T (p.His272Tyr)

Gene: TNFRSF11A (TNF receptor superfamily member 11a; plus strand). Cytogenetic location: 18q21.33.
Variant type: single nucleotide variant.
Coding change: c.814C>T on transcript NM_003839.4 (MANE Select); coding-DNA position 814, C replaced by T.
Protein change: p.His272Tyr; replaces histidine 272 with tyrosine.
Molecular consequence: missense variant. On other transcripts: intron variant (3).
Genome position (GRCh38, 1-based): chr18:62,368,731, C>T. VCF-style: chr18-62368731-C-T. GRCh37 (hg19) VCF-style: chr18-60035964-C-T.
Other names: c.772C>T, p.His258Tyr (NM_001278268.2); c.783+1971C>T (NM_001270949.2); c.730+6938C>T (NM_001270950.2); c.616+8682C>T (NM_001270951.2); short protein forms H258Y, H272Y.
Identifiers: ClinVar variation 1718353 (VCV001718353.5), dbSNP rs1600405806, ClinGen allele CA402615875.
Genomic context (GRCh38, chr18:62,368,731, plus strand): 5'-TGCCTCTGCCTTCTGAATGTAAATCGGCAGGAGTCCTCAGGTGACAGTTGTGTCAGTACA[C>T]ACACGGCAAACTTTGGTCAGCAGGGAGCATGTGAAGGTGTCTTACTGCTGACTCTGGAGG-3'
Protein context (NP_003830.1, residues 262-282): ESSGDSCVST[His272Tyr]TANFGQQGAC